The following is an entry in ClinVar:

NM_022436.3(ABCG5):c.1500A>G (p.Gly500=)

Genes: ABCG5 (ATP binding cassette subfamily G member 5; minus strand), DYNC2LI1 (dynein cytoplasmic 2 light intermediate chain 1; plus strand). Cytogenetic location: 2p21.
Variant type: single nucleotide variant.
Coding change: c.1500A>G on transcript NM_022436.3 (MANE Select); coding-DNA position 1500, A replaced by G.
Protein change: p.Gly500=; no amino-acid change (glycine 500 retained).
Molecular consequence: synonymous variant. On other transcripts: intron variant (2).
Genome position (GRCh38, 1-based): chr2:43,820,064, T>C on the plus strand (A>G on the coding strand, the complement: ABCG5 is on the minus strand). VCF-style: chr2-43820064-T-C. GRCh37 (hg19) VCF-style: chr2-44047203-T-C.
Other names: c.*16-7322T>C (NM_001348913.2, NM_001348912.2).
Identifiers: ClinVar variation 598602 (VCV000598602.11), dbSNP rs767584159, ClinGen allele CA1636240.
Genomic context (GRCh38, chr2:43,820,064, plus strand): 5'-TAGCACAAGAGTTAGAAATTCACCAATTAAGTGGGGGGCCAAGAGAGCAGCAGAAAAATA[T>C]CCAAATCGGGCAACCTCAGGATGTAAGCCCAGCGTCCTAGAAAAGCATAAGCTCTTTAGT-3'
Protein context (NP_071881.1, residues 490-510): LGLHPEVARF[Gly500=]YFSAALLAPH

ClinVar aggregate classification (germline): Uncertain significance. Review status: criteria provided, multiple submitters, no conflicts (2 of 4 stars). 3 submissions from 3 submitters: Uncertain significance (2). 1 of the submissions does not count toward it. Last evaluated 2022-07-06.

Conditions:
ABCG5-related disorder. Also called: ABCG5-related condition.
Sitosterolemia (STSL). Also called: PHYTOSTEROLEMIA. Identifiers: Orphanet 2882, MedGen C0342907, MONDO:0008863.

Allele frequency attached by ClinVar (database versions not stated): TOPMed 0.00008; ExAC 0.00009; gnomAD exomes 0.00003 and 0.00008; gnomAD 0.00005 and 0.00007.
gnomAD v4.1: 66 of 1,614,030 alleles (0.0041%); highest among the groups gnomAD compares: Middle Eastern, 0.049%; no homozygotes.

Submissions (3):

Labcorp Genetics (formerly Invitae), Labcorp
Classification: Uncertain significance for Sitosterolemia. Last evaluated: 2022-07-06. Review status: criteria provided, single submitter. Criteria: Invitae Variant Classification Sherloc (09022015). Collection method: clinical testing. Allele origin: germline.
Comment: This sequence change affects codon 500 of the ABCG5 mRNA. It is a 'silent' change, meaning that it does not change the encoded amino acid sequence of the ABCG5 protein. This variant is present in population databases (rs767584159, gnomAD 0.02%). This variant has not been reported in the literature in individuals affected with ABCG5-related conditions. ClinVar contains an entry for this variant (Variation ID: 598602). Algorithms developed to predict the effect of sequence changes on RNA splicing suggest that this variant may disrupt the consensus splice site. In summary, the available evidence is currently insufficient to determine the role of this variant in disease. Therefore, it has been classified as a Variant of Uncertain Significance.

Eurofins Ntd Llc (ga)
Classification: Uncertain significance. Last evaluated: 2018-08-30. Review status: criteria provided, single submitter. Criteria: EGL ClinVar v180209 classification definitions. Collection method: clinical testing. Allele origin: germline. Observed: 1 variant allele, 1 heterozygote.

PreventionGenetics, part of Exact Sciences
Classification: Likely benign for ABCG5-related condition. Last evaluated: 2019-04-08. Review status: no assertion criteria provided. Collection method: clinical testing. Allele origin: germline. Not counted in ClinVar's aggregate classification.
Comment: This variant is classified as likely benign based on ACMG/AMP sequence variant interpretation guidelines (Richards et al. 2015 PMID: 25741868, with internal and published modifications).